The following is an entry in ClinVar:

NM_001077653.2(TBX20):c.1278G>A (p.Gln426=)

Gene: TBX20 (T-box transcription factor 20; minus strand). Cytogenetic location: 7p14.2.
Variant type: single nucleotide variant.
Coding change: c.1278G>A on transcript NM_001077653.2 (MANE Select); coding-DNA position 1278, G replaced by A.
Protein change: p.Gln426=; no amino-acid change (glutamine 426 retained).
Molecular consequence: synonymous variant.
Genome position (GRCh38, 1-based): chr7:35,202,496, C>T on the plus strand (G>A on the coding strand, the complement: TBX20 is on the minus strand). VCF-style: chr7-35202496-C-T. GRCh37 (hg19) VCF-style: chr7-35242108-C-T.
Identifiers: ClinVar variation 3622725 (VCV003622725.2).

ClinVar aggregate classification (germline): Uncertain significance (1 of 4 stars; one submission).

Submission:

Labcorp Genetics (formerly Invitae), Labcorp
Classification: Uncertain significance. Last evaluated: 2024-06-19. Review status: criteria provided, single submitter. Criteria: Invitae Variant Classification Sherloc (09022015). Collection method: clinical testing. Allele origin: germline.
Comment: This sequence change affects codon 426 of the TBX20 mRNA. It is a 'silent' change, meaning that it does not change the encoded amino acid sequence of the TBX20 protein. This variant is not present in population databases (gnomAD no frequency). This variant has not been reported in the literature in individuals affected with TBX20-related conditions. Algorithms developed to predict the effect of sequence changes on RNA splicing suggest that this variant may create or strengthen a splice site. In summary, the available evidence is currently insufficient to determine the role of this variant in disease. Therefore, it has been classified as a Variant of Uncertain Significance.